The following is an entry in ClinVar:

NM_014516.4(CNOT3):c.2224T>C (p.Phe742Leu)

Genes: CNOT3 (CCR4-NOT transcription complex subunit 3; plus strand), LENG1 (leukocyte receptor cluster member 1; minus strand). Cytogenetic location: 19q13.42.
Variant type: single nucleotide variant.
Coding change: c.2224T>C on transcript NM_014516.4 (MANE Select); coding-DNA position 2224, T replaced by C.
Protein change: p.Phe742Leu; replaces phenylalanine 742 with leucine.
Molecular consequence: missense variant. On other transcripts: non-coding transcript variant (2), 3 prime UTR variant (1).
Genome position (GRCh38, 1-based): chr19:54,155,369, T>C. VCF-style: chr19-54155369-T-C. GRCh37 (hg19) VCF-style: chr19-54659107-T-C.
Other names: c.2278T>C, p.Phe760Leu (NM_001440653.1); c.2275T>C, p.Phe759Leu (NM_001440654.1); c.1681T>C, p.Phe561Leu (NM_001440659.1); c.2227T>C, p.Phe743Leu (NM_001440661.1, NM_001440662.1); c.*352A>G (NM_024316.3); short protein forms F759L, F760L, F743L, F561L, F742L.
Identifiers: ClinVar variation 4994765 (VCV004994765.1).

ClinVar aggregate classification (germline): Uncertain significance (1 of 4 stars; one submission).

Conditions:
CNOT3-related disorder. Also called: CNOT3-related condition.

Submission:

PreventionGenetics, part of Exact Sciences
Classification: Uncertain significance for CNOT3-related condition. Last evaluated: 2025-09-30. Review status: criteria provided, single submitter. Criteria: ACMG Guidelines, 2015. Collection method: clinical testing. Allele origin: germline.
Comment: The CNOT3 c.2224T>C variant is predicted to result in the amino acid substitution p.Phe742Leu. To our knowledge, this variant has not been reported in the literature or in a large population database (gnomAD), indicating this variant is rare. This variant is located in the terminal exon of the gene, within the last 50 nucleotides; and, to our knowledge, there are no other downstream disease-causing variants reported in the literature to date. Although we suspect that this variant may be pathogenic, at this time, the clinical significance of this variant is uncertain due to the absence of conclusive functional and genetic evidence.